The following is an entry in ClinVar:

NM_001318510.2(ACSL4):c.478C>A (p.Leu160Met)

Gene: ACSL4 (acyl-CoA synthetase long chain family member 4; minus strand). Cytogenetic location: Xq23.
Variant type: single nucleotide variant.
Coding change: c.478C>A on transcript NM_001318510.2 (MANE Select); coding-DNA position 478, C replaced by A.
Protein change: p.Leu160Met; replaces leucine 160 with methionine.
Molecular consequence: missense variant.
Genome position (GRCh38, 1-based): chrX:109,681,304, G>T on the plus strand (C>A on the coding strand, the complement: ACSL4 is on the minus strand). VCF-style: chrX-109681304-G-T. GRCh37 (hg19) VCF-style: chrX-108924533-G-T.
Other names: c.601C>A, p.Leu201Met (NM_001318509.2, NM_022977.3); c.478C>A, p.Leu160Met (NM_004458.3); short protein forms L160M, L201M.
Identifiers: ClinVar variation 2673254 (VCV002673254.23), dbSNP rs2521213771, ClinGen allele CA414218254.

ClinVar aggregate classification (germline): Uncertain significance (1 of 4 stars; one submission).

Submission:

CeGaT Center for Human Genetics Tuebingen
Classification: Uncertain significance. Last evaluated: 2023-11-01. Review status: criteria provided, single submitter. Criteria: CeGaT Center For Human Genetics Tuebingen Variant Classification Criteria Version 2. Collection method: clinical testing. Allele origin: germline. Affected: yes. Observed: 1 variant allele.
Comment: ACSL4: PM2, BP4